The following is an entry in ClinVar:

ClinVar aggregate classification (germline): Uncertain significance. Review status: criteria provided, multiple submitters, no conflicts (2 of 4 stars). 2 submissions from 2 submitters: Uncertain significance (2). Last evaluated 2025-09-10.

Conditions:
Cardiovascular phenotype. Identifiers: MedGen CN230736.
Ehlers-Danlos syndrome due to tenascin-X deficiency (EDSCLL1). Also called: TNX DEFICIENCY; EDS DUE TO TNX DEFICIENCY; EHLERS-DANLOS SYNDROME, CLASSIC-LIKE; Ehlers-Danlos syndrome, classic-like, 1; TNXB-Related Classical-Like Ehlers-Danlos Syndrome. Identifiers: Orphanet 230839, MedGen C1848029, MONDO:0011670, OMIM 606408.

gnomAD v4.1: 4 of 1,612,582 alleles (0.00025%); highest among the groups gnomAD compares: Non-Finnish European, 0.00034%; no homozygotes.

Submissions (2):

Genomic Medicine Center of Excellence, King Faisal Specialist Hospital and Research Centre
Classification: Uncertain significance for Ehlers-Danlos syndrome due to tenascin-X deficiency. Last evaluated: 2025-09-10. Review status: criteria provided, single submitter. Criteria: ACMG Guidelines, 2015. Collection method: clinical testing. Allele origin: germline.

Ambry Genetics
Classification: Uncertain significance for Cardiovascular phenotype. Last evaluated: 2022-05-09. Review status: criteria provided, single submitter. Criteria: Ambry Variant Classification Scheme 2023. Collection method: clinical testing. Allele origin: germline.
Comment: The p.R2584P variant (also known as c.7751G>C), located in coding exon 21 of the TNXB gene, results from a G to C substitution at nucleotide position 7751. The arginine at codon 2584 is replaced by proline, an amino acid with dissimilar properties. This amino acid position is conserved. In addition, this alteration is predicted to be tolerated by in silico analysis. Since supporting evidence is limited at this time, the clinical significance of this alteration remains unclear.

NM_001365276.2(TNXB):c.7751G>C (p.Arg2584Pro)

Gene: TNXB (tenascin XB; minus strand). Cytogenetic location: 6p21.33.
Variant type: single nucleotide variant.
Coding change: c.7751G>C on transcript NM_001365276.2 (MANE Select); coding-DNA position 7751, G replaced by C.
Protein change: p.Arg2584Pro; replaces arginine 2584 with proline.
Molecular consequence: missense variant.
Genome position (GRCh38, 1-based): chr6:32,058,132, C>G on the plus strand (G>C on the coding strand, the complement: TNXB is on the minus strand). VCF-style: chr6-32058132-C-G. GRCh37 (hg19) VCF-style: chr6-32025909-C-G.
Other names: c.7751G>C, p.Arg2584Pro (NM_019105.8); short protein forms R2584P.
Identifiers: ClinVar variation 1760465 (VCV001760465.3), dbSNP rs747625465, ClinGen allele CA3734070.